The following is an entry in ClinVar:

ClinVar aggregate classification (germline): Likely benign (1 of 4 stars; one submission).

Conditions:
TTN-related disorder. Also called: TTN-related disorders; TTN-related condition; TTN-related disease.

Submission:

PreventionGenetics, part of Exact Sciences
Classification: Likely benign for TTN-related condition. Last evaluated: 2025-07-29. Review status: criteria provided, single submitter. Criteria: ACMG Guidelines, 2015. Collection method: clinical testing. Allele origin: germline.
Comment: This variant is classified as likely benign based on ACMG/AMP sequence variant interpretation guidelines (Richards et al. 2015 PMID: 25741868, with internal and published modifications).

NM_001267550.2(TTN):c.100172-15T>C

Genes: TTN (titin; minus strand), TTN-AS1 (TTN antisense RNA 1; plus strand), LOC126806420 (BRD4-independent group 4 enhancer GRCh37_chr2:179401104-179402303; plus strand). Cytogenetic location: 2q31.2.
Variant type: single nucleotide variant.
Coding change: c.100172-15T>C on transcript NM_001267550.2 (MANE Select); 15 bases into the intron before coding-DNA position 100172, T replaced by C.
Molecular consequence: intron variant.
Genome position (GRCh38, 1-based): chr2:178,536,590, A>G on the plus strand (T>C on the coding strand, the complement: TTN is on the minus strand). VCF-style: chr2-178536590-A-G. GRCh37 (hg19) VCF-style: chr2-179401317-A-G.
Other names: c.72977-15T>C (NM_003319.4); c.73553-15T>C (NM_133437.4); c.73352-15T>C (NM_133432.3); c.92468-15T>C (NM_133378.4); c.95249-15T>C (NM_001256850.1).
Identifiers: ClinVar variation 4999875 (VCV004999875.1).